The following is an entry in ClinVar:

ClinVar aggregate classification (germline): Pathogenic (1 of 4 stars; one submission).

Submission:

GeneDx
Classification: Pathogenic. Last evaluated: 2017-08-23. Review status: criteria provided, single submitter. Criteria: GeneDx Variant Classification (06012015). Collection method: clinical testing. Allele origin: germline. Affected: yes.
Comment: The c.1487delA variant in the AUTS2 gene has not been reported previously as a pathogenic variant nor as a benign variant, to our knowledge. The c.1487delA variant causes a frameshift starting with codon Glutamine 496, changes this amino acid to an Arginine residue, and creates a premature Stop codon at position 3 of the new reading frame, denoted p.Gln496ArgfsX3. This variant is predicted to cause loss of normal protein function either through protein truncation or nonsense-mediated mRNA decay. The c.1487delA variant is not observed in large population cohorts (Lek et al., 2016; 1000 Genomes Consortium et al., 2015; Exome Variant Server). We interpret c.1487delA as a pathogenic variant.

NM_015570.4(AUTS2):c.1487del (p.Gln496fs)

Gene: AUTS2 (activator of transcription and developmental regulator AUTS2; plus strand). Cytogenetic location: 7q11.22.
Variant type: Deletion.
Coding change: c.1487del on transcript NM_015570.4 (MANE Select); coding-DNA position 1487, one base deleted (A; older notation c.1487delA).
Protein change: p.Gln496fs; shifts the reading frame from glutamine 496.
Molecular consequence: frameshift variant.
Genome position (GRCh38, 1-based): chr7:70,766,132, A deleted. VCF-style (leftmost placement, unchanged base first): chr7-70766131-CA-C. GRCh37 (hg19) VCF-style: chr7-70231117-CA-C.
Other names: c.1487del, p.Gln496fs (NM_001127231.3); short protein forms Q496fs.
Identifiers: ClinVar variation 451578 (VCV000451578.2), dbSNP rs1554481713, ClinGen allele CA658657674.
Genomic context (GRCh38, chr7:70,766,131, plus strand): 5'-CTGAAGGAAAAGGCGTCATCGTCTCCCTCTTCTTCTCTTCCAGAGCAAGACATCTTGCGA[CA>C]GGAACTGAACACTCGTTTTTTGGCCTCTCAGAGTGCTGACCGCGGGGCTTCCCTGGGCCC-3'